The following is an entry in ClinVar:

NM_000271.5(NPC1):c.1671C>T (p.Asn557=)

Gene: NPC1 (NPC intracellular cholesterol transporter 1; minus strand). Cytogenetic location: 18q11.2.
Variant type: single nucleotide variant.
Coding change: c.1671C>T on transcript NM_000271.5 (MANE Select); coding-DNA position 1671, C replaced by T.
Protein change: p.Asn557=; no amino-acid change (asparagine 557 retained).
Molecular consequence: synonymous variant.
Genome position (GRCh38, 1-based): chr18:23,548,092, G>A on the plus strand (C>T on the coding strand, the complement: NPC1 is on the minus strand). VCF-style: chr18-23548092-G-A. GRCh37 (hg19) VCF-style: chr18-21128056-G-A.
Other names: c.1671C>T (NM_000271.4).
Identifiers: ClinVar variation 500944 (VCV000500944.14), dbSNP rs772427096, ClinGen allele CA8913396.

ClinVar aggregate classification (germline): Conflicting classifications of pathogenicity. Review status: criteria provided, conflicting classifications (1 of 4 stars). 3 submissions from 3 submitters: Uncertain significance (1); Likely benign (2). Last evaluated 2025-06-24.

Conditions:
NPC1-related disorder. Also called: NPC1-related condition.
Niemann-Pick disease, type C1. Also called: NEUROVISCERAL STORAGE DISEASE WITH VERTICAL SUPRANUCLEAR OPHTHALMOPLEGIA; NIEMANN-PICK DISEASE WITH CHOLESTEROL ESTERIFICATION BLOCK; NIEMANN-PICK DISEASE WITHOUT SPHINGOMYELINASE DEFICIENCY; NIEMANN-PICK DISEASE, CHRONIC NEURONOPATHIC FORM; NIEMANN-PICK DISEASE, VARIANT TYPE C1. Identifiers: Orphanet 646, MedGen C3179455, MONDO:0009757, OMIM 257220.

Allele frequency attached by ClinVar (database versions not stated): gnomAD exomes 0.00001 and 0.00003; TOPMed 0.00001; ExAC 0.00002; gnomAD 0.00004.
gnomAD v4.1: 24 of 1,606,988 alleles (0.0015%); highest among the groups gnomAD compares: African/African-American, 0.011%; no homozygotes.

Submissions (3):

Labcorp Genetics (formerly Invitae), Labcorp
Classification: Likely benign for Niemann-Pick disease, type C1. Last evaluated: 2025-06-24. Review status: criteria provided, single submitter. Criteria: Invitae Variant Classification Sherloc (09022015). Collection method: clinical testing. Allele origin: germline.

PreventionGenetics, part of Exact Sciences
Classification: Likely benign for NPC1-related condition. Last evaluated: 2025-04-19. Review status: criteria provided, single submitter. Criteria: ACMG Guidelines, 2015. Collection method: clinical testing. Allele origin: germline.
Comment: This variant is classified as likely benign based on ACMG/AMP sequence variant interpretation guidelines (Richards et al. 2015 PMID: 25741868, with internal and published modifications).

Eurofins Ntd Llc (ga)
Classification: Uncertain significance. Last evaluated: 2017-03-21. Review status: criteria provided, single submitter. Criteria: EGL Classification Definitions 2015. Collection method: clinical testing. Allele origin: germline. Observed: 1 variant allele, 1 heterozygote.